The following is an entry in ClinVar:

NM_020975.6(RET):c.2992T>G (p.Phe998Val)

Gene: RET (ret proto-oncogene; plus strand). Cytogenetic location: 10q11.21.
Variant type: single nucleotide variant.
Coding change: c.2992T>G on transcript NM_020975.6 (MANE Select); coding-DNA position 2992, T replaced by G.
Protein change: p.Phe998Val; replaces phenylalanine 998 with valine.
Molecular consequence: missense variant.
Genome position (GRCh38, 1-based): chr10:43,124,935, T>G. VCF-style: chr10-43124935-T-G. GRCh37 (hg19) VCF-style: chr10-43620383-T-G.
Other names: c.2992T>G, p.Phe998Val (NM_000323.2, NM_001406743.1, NM_001406744.1 and 4 more transcripts); c.2230T>G, p.Phe744Val (NM_001355216.2); c.2863T>G, p.Phe955Val (NM_001406761.1, NM_001406762.1, NM_001406764.1); c.2857T>G, p.Phe953Val (NM_001406763.1, NM_001406765.1); c.2704T>G, p.Phe902Val (NM_001406766.1, NM_001406767.1, NM_001406770.1); c.2728T>G, p.Phe910Val (NM_001406768.1); c.2596T>G, p.Phe866Val (NM_001406769.1, NM_001406772.1); c.2554T>G, p.Phe852Val (NM_001406771.1, NM_001406773.1); and 10 more; short protein forms F744V, F998V, F656V, F659V, F953V, F563V, F603V, F668V.
Identifiers: ClinVar variation 1424562 (VCV001424562.7), dbSNP rs2133017302, ClinGen allele CA376558142.
Genomic context (GRCh38, chr10:43,124,935, plus strand): 5'-CCCACCAGGTACCGCCTGATGCTGCAATGCTGGAAGCAGGAGCCGGACAAAAGGCCGGTG[T>G]TTGCGGACATCAGCAAAGACCTGGAGAAGATGATGGTTAAGAGGAGAGTGAGTGCCTGGG-3'
Protein context (NP_066124.1, residues 988-1008): WKQEPDKRPV[Phe998Val]ADISKDLEKM

ClinVar aggregate classification (germline): Uncertain significance (1 of 4 stars; one submission).

Conditions:
Multiple endocrine neoplasia, type 2 (MEN2). Identifiers: Orphanet 653, MedGen C4048306, MONDO:0019003. Disease mechanism: gain of function.

Submission:

Labcorp Genetics (formerly Invitae), Labcorp
Classification: Uncertain significance for Multiple endocrine neoplasia, type 2. Last evaluated: 2021-05-01. Review status: criteria provided, single submitter. Criteria: Invitae Variant Classification Sherloc (09022015). Collection method: clinical testing. Allele origin: germline.
Comment: Algorithms developed to predict the effect of missense changes on protein structure and function are either unavailable or do not agree on the potential impact of this missense change (SIFT: "Deleterious"; PolyPhen-2: "Probably Damaging"; Align-GVGD: "Class C0"). This variant has not been reported in the literature in individuals with RET-related conditions. This variant is not present in population databases (ExAC no frequency). This sequence change replaces phenylalanine with valine at codon 998 of the RET protein (p.Phe998Val). The phenylalanine residue is highly conserved and there is a small physicochemical difference between phenylalanine and valine. In summary, the available evidence is currently insufficient to determine the role of this variant in disease. Therefore, it has been classified as a Variant of Uncertain Significance.